The following is an entry in ClinVar:

ClinVar aggregate classification (germline): Uncertain significance. Review status: criteria provided, multiple submitters, no conflicts (2 of 4 stars). 2 submissions from 2 submitters: Uncertain significance (2). Last evaluated 2023-08-08.

Conditions:
Inborn genetic diseases. Identifiers: MedGen C0950123, MeSH D030342.

gnomAD v4.1: 1 of 1,612,800 alleles (0.000062%); highest among the groups gnomAD compares: Non-Finnish European, 0.000085%; no homozygotes.

Submissions (2):

Ambry Genetics
Classification: Uncertain significance for Inborn genetic diseases. Last evaluated: 2023-08-08. Review status: criteria provided, single submitter. Criteria: Ambry Variant Classification Scheme 2023. Collection method: clinical testing. Allele origin: germline.

Labcorp Genetics (formerly Invitae), Labcorp
Classification: Uncertain significance. Last evaluated: 2022-08-17. Review status: criteria provided, single submitter. Criteria: Invitae Variant Classification Sherloc (09022015). Collection method: clinical testing. Allele origin: germline.
Comment: This variant has not been reported in the literature in individuals affected with HSPG2-related conditions. In summary, the available evidence is currently insufficient to determine the role of this variant in disease. Therefore, it has been classified as a Variant of Uncertain Significance. Algorithms developed to predict the effect of missense changes on protein structure and function (SIFT, PolyPhen-2, Align-GVGD) all suggest that this variant is likely to be tolerated. This variant is not present in population databases (gnomAD no frequency). This sequence change replaces valine, which is neutral and non-polar, with alanine, which is neutral and non-polar, at codon 1973 of the HSPG2 protein (p.Val1973Ala).

NM_005529.7(HSPG2):c.5918T>C (p.Val1973Ala)

Gene: HSPG2 (heparan sulfate proteoglycan 2; minus strand). Cytogenetic location: 1p36.12.
Variant type: single nucleotide variant.
Coding change: c.5918T>C on transcript NM_005529.7 (MANE Select); coding-DNA position 5918, T replaced by C.
Protein change: p.Val1973Ala; replaces valine 1973 with alanine.
Molecular consequence: missense variant.
Genome position (GRCh38, 1-based): chr1:21,855,383, A>G on the plus strand (T>C on the coding strand, the complement: HSPG2 is on the minus strand). VCF-style: chr1-21855383-A-G. GRCh37 (hg19) VCF-style: chr1-22181876-A-G.
Other names: c.5918T>C (NM_005529.5); c.5921T>C, p.Val1974Ala (NM_001291860.2); short protein forms V1974A, V1973A.
Identifiers: ClinVar variation 1931582 (VCV001931582.7), dbSNP rs1639254225, ClinGen allele CA338936064.
Genomic context (GRCh38, chr1:21,855,383, plus strand): 5'-CCTTCCTTCCTCCAGGTGATGGTGGCGCTAGGCACGCCTGCAGCCCTGCAGTACAGCCTG[A>G]CGGTGCGGCCTGCGTGGACCTGGGTCCTCTCTGGGCTCACTTGGACTCTGGGCCCACCGC-3'
Protein context (NP_005520.4, residues 1963-1983): ERTQVHAGRT[Val1973Ala]RLYCRAAGVP